The following is an entry in ClinVar:

ClinVar aggregate classification (germline): Uncertain significance (1 of 4 stars; one submission).

Conditions:
Noonan syndrome (NS). Also called: Noonan's syndrome. Identifiers: Orphanet 648, MedGen C0028326, MeSH D009634, MONDO:0018997. Disease mechanism: gain of function.

Submission:

Labcorp Genetics (formerly Invitae), Labcorp
Classification: Uncertain significance for Noonan syndrome. Last evaluated: 2025-12-31. Review status: criteria provided, single submitter. Criteria: Invitae Variant Classification Sherloc (09022015). Collection method: clinical testing. Allele origin: germline.
Comment: This sequence change falls in intron 4 of the RRAS gene. It does not directly change the encoded amino acid sequence of the RRAS protein. It affects a nucleotide within the consensus splice site. The frequency data for this variant in the population databases is considered unreliable, as metrics indicate poor data quality at this position in the gnomAD database. This variant has not been reported in the literature in individuals affected with RRAS-related conditions. Variants that disrupt the consensus splice site are a relatively common cause of aberrant splicing (PMID: 17576681, 9536098). Algorithms developed to predict the effect of sequence changes on RNA splicing suggest that this variant is not likely to affect RNA splicing. In summary, the available evidence is currently insufficient to determine the role of this variant in disease. Therefore, it has been classified as a Variant of Uncertain Significance.

Literature cited by the submitters: PubMed 17576681; PubMed 9536098.

NM_006270.5(RRAS):c.453+6G>A

Gene: RRAS (RAS related; minus strand). Cytogenetic location: 19q13.33.
Variant type: single nucleotide variant.
Coding change: c.453+6G>A on transcript NM_006270.5 (MANE Select); 6 bases into the intron after coding-DNA position 453, G replaced by A.
Molecular consequence: intron variant.
Genome position (GRCh38, 1-based): chr19:49,636,613, C>T on the plus strand (G>A on the coding strand, the complement: RRAS is on the minus strand). VCF-style: chr19-49636613-C-T. GRCh37 (hg19) VCF-style: chr19-50139870-C-T.
Identifiers: ClinVar variation 4754789 (VCV004754789.1).